The following is an entry in ClinVar:

NM_014231.5(VAMP1):c.335T>C (p.Ile112Thr)

Genes: VAMP1 (vesicle associated membrane protein 1; minus strand), TAPBPL (TAP binding protein like; plus strand). Cytogenetic location: 12p13.31.
Variant type: single nucleotide variant.
Coding change: c.335T>C on transcript NM_014231.5 (MANE Select); coding-DNA position 335, T replaced by C.
Protein change: p.Ile112Thr; replaces isoleucine 112 with threonine.
Molecular consequence: missense variant. On other transcripts: non-coding transcript variant (1).
Genome position (GRCh38, 1-based): chr12:6,464,895, A>G on the plus strand (T>C on the coding strand, the complement: VAMP1 is on the minus strand). VCF-style: chr12-6464895-A-G. GRCh37 (hg19) VCF-style: chr12-6574061-A-G.
Other names: c.335T>C, p.Ile112Thr (NM_001297438.2, NM_016830.4, NM_199245.3); short protein forms I112T.
Identifiers: ClinVar variation 448850 (VCV000448850.9), dbSNP rs776075796, ClinGen allele CA6407619.

ClinVar aggregate classification (germline): Uncertain significance. Review status: criteria provided, multiple submitters, no conflicts (2 of 4 stars). 2 submissions from 2 submitters: Uncertain significance (2). Last evaluated 2025-10-14.

Conditions:
Spastic paraplegia. Identifiers: MedGen C0037772, HP:0001258.

Allele frequency attached by ClinVar (database versions not stated): TOPMed 0.00002; gnomAD 0.00005; ExAC 0.00006; gnomAD exomes 0.00006 and 0.00007.
gnomAD v4.1: 99 of 1,613,938 alleles (0.0061%); highest among the groups gnomAD compares: Non-Finnish European, 0.0068%; no homozygotes.

Submissions (2):

Labcorp Genetics (formerly Invitae), Labcorp
Classification: Uncertain significance for Spastic paraplegia. Last evaluated: 2025-10-14. Review status: criteria provided, single submitter. Criteria: Invitae Variant Classification Sherloc (09022015). Collection method: clinical testing. Allele origin: germline.
Comment: This sequence change replaces isoleucine, which is neutral and non-polar, with threonine, which is neutral and polar, at codon 112 of the VAMP1 protein (p.Ile112Thr). This variant is present in population databases (rs776075796, gnomAD 0.03%). This variant has not been reported in the literature in individuals affected with VAMP1-related conditions. ClinVar contains an entry for this variant (Variation ID: 448850). An algorithm developed to predict the effect of missense changes on protein structure and function (PolyPhen-2) suggests that this variant is likely to be disruptive. In summary, the available evidence is currently insufficient to determine the role of this variant in disease. Therefore, it has been classified as a Variant of Uncertain Significance.

Athena Diagnostics
Classification: Uncertain significance. Last evaluated: 2023-10-12. Review status: criteria provided, single submitter. Criteria: Athena Diagnostics Criteria. Collection method: clinical testing. Allele origin: unknown.
Comment: Available data are insufficient to determine the clinical significance of the variant at this time. The frequency of this variant in the general population is uninformative in assessment of its pathogenicity. Computational tools disagree on the variant's effect on normal protein function.